The following is an entry in ClinVar:

NM_053025.4(MYLK):c.1310-2A>G

Gene: MYLK (myosin light chain kinase; minus strand). Cytogenetic location: 3q21.1.
Variant type: single nucleotide variant.
Coding change: c.1310-2A>G on transcript NM_053025.4 (MANE Select); the canonical splice acceptor site of the intron before coding-DNA position 1310, A replaced by G.
Molecular consequence: splice acceptor variant. On other transcripts: intron variant (2).
Genome position (GRCh38, 1-based): chr3:123,733,104, T>C on the plus strand (A>G on the coding strand, the complement: MYLK is on the minus strand). VCF-style: chr3-123733104-T-C. GRCh37 (hg19) VCF-style: chr3-123451951-T-C.
Other names: c.782-2A>G (NM_001321309.2); c.1309+583A>G (NM_053028.4, NM_053026.4); c.1310-2A>G (NM_053027.4).
Identifiers: ClinVar variation 1938050 (VCV001938050.5), dbSNP rs2474551926, ClinGen allele CA354238558.
Genomic context (GRCh38, chr3:123,733,104, plus strand): 5'-TCTCCTCACGGGGGTGCCTTCCAGGAACCAGGCCACTTCAGGCTTTGGAATCCCGGAAAC[T>C]ACAGGGCCAGGTAAAGAACGTGAGCTCCCTATGCCCTGGAGAGCACCCTGTGATTGTGAG-3'

ClinVar aggregate classification (germline): Uncertain significance (1 of 4 stars; one submission).

Conditions:
Aortic aneurysm, familial thoracic 7 (AAT7). Also called: AORTIC DISSECTION, FAMILIAL, WITH OR WITHOUT AORTIC ANEURYSM. Identifiers: MedGen C3151077, MONDO:0013418, OMIM 613780.

Submission:

Labcorp Genetics (formerly Invitae), Labcorp
Classification: Uncertain significance for Aortic aneurysm, familial thoracic 7. Last evaluated: 2022-05-13. Review status: criteria provided, single submitter. Criteria: Invitae Variant Classification Sherloc (09022015). Collection method: clinical testing. Allele origin: germline.
Comment: This sequence change affects an acceptor splice site in intron 10 of the MYLK gene. This variant occurs in the long isoform of MYLK (PMID: 21055718). The current clinical and genetic evidence is not sufficient to establish whether loss-of-function variants in the long isoform of MYLK cause disease. In summary, the available evidence is currently insufficient to determine the role of this variant in disease. Therefore, it has been classified as a Variant of Uncertain Significance. Algorithms developed to predict the effect of sequence changes on RNA splicing suggest that this variant may disrupt the consensus splice site. This variant has not been reported in the literature in individuals affected with MYLK-related conditions. This variant is not present in population databases (gnomAD no frequency).

Literature cited by the submitters: PubMed 21055718.